The following is an entry in ClinVar:

ClinVar aggregate classification (germline): Conflicting classifications of pathogenicity. Review status: criteria provided, conflicting classifications (1 of 4 stars). 10 submissions from 10 submitters: Uncertain significance (1); Benign (1); Likely benign (6). 2 of the submissions do not count toward it. Last evaluated 2026-08-18.

Conditions:
RBM20-related disorder. Also called: RBM20-related condition.
Cardiovascular phenotype. Identifiers: MedGen CN230736.
Dilated cardiomyopathy 1DD (CMD1DD). Identifiers: Orphanet 154, MedGen C2750995, MONDO:0013168, OMIM 613172.

Allele frequency attached by ClinVar (database versions not stated): gnomAD exomes 0.00009 and 0.00035; ExAC 0.00014; 1000 Genomes Project 0.00020; 1000 Genomes Project 30x 0.00047; TOPMed 0.00094; gnomAD 0.00100 and 0.00102.
gnomAD v4.1: 280 of 1,551,330 alleles (0.018%); highest among the groups gnomAD compares: Admixed American, 0.42%; 2 homozygotes.

Submissions (10):

PreventionGenetics, part of Exact Sciences
Classification: Likely benign for RBM20-related condition. Last evaluated: 2026-08-18. Review status: criteria provided, single submitter. Criteria: ACMG Guidelines, 2015. Collection method: clinical testing. Allele origin: germline.
Comment: This variant is classified as likely benign based on ACMG/AMP sequence variant interpretation guidelines (Richards et al. 2015 PMID: 25741868, with internal and published modifications).

CeGaT Center for Human Genetics Tuebingen
Classification: Likely benign. Last evaluated: 2026-08-01. Review status: criteria provided, single submitter. Criteria: CeGaT Center For Human Genetics Tuebingen Variant Classification Criteria Version 2. Collection method: clinical testing. Allele origin: germline. Affected: yes. Observed: 8 variant alleles.
Comment: RBM20: BP4, BP7

Labcorp Genetics (formerly Invitae), Labcorp
Classification: Likely benign for Dilated cardiomyopathy 1DD. Last evaluated: 2026-02-01. Review status: criteria provided, single submitter. Criteria: Invitae Variant Classification Sherloc (09022015). Collection method: clinical testing. Allele origin: germline.

Ambry Genetics
Classification: Likely benign for Cardiovascular phenotype. Last evaluated: 2024-02-28. Review status: criteria provided, single submitter. Criteria: Ambry Variant Classification Scheme 2023. Collection method: clinical testing. Allele origin: germline.

Blueprint Genetics
Classification: Likely benign. Last evaluated: 2020-01-22. Review status: criteria provided, single submitter. Criteria: ACMG Guidelines, 2015. Collection method: clinical testing. Allele origin: germline.

Illumina Laboratory Services, Illumina
Classification: Uncertain significance for Dilated cardiomyopathy 1DD. Last evaluated: 2018-01-13. Review status: criteria provided, single submitter. Criteria: ICSL Variant Classification Criteria 13 December 2019. Collection method: clinical testing. Allele origin: germline.

GeneDx
Classification: Benign. Last evaluated: 2016-06-23. Review status: criteria provided, single submitter. Criteria: GeneDx Variant Classification (06012015). Collection method: clinical testing. Allele origin: germline. Affected: yes.
Comment: This variant is considered likely benign or benign based on one or more of the following criteria: it is a conservative change, it occurs at a poorly conserved position in the protein, it is predicted to be benign by multiple in silico algorithms, and/or has population frequency not consistent with disease.

Laboratory for Molecular Medicine, Mass General Brigham Personalized Medicine
Classification: Likely benign. Last evaluated: 2016-01-26. Review status: criteria provided, single submitter. Criteria: LMM Criteria. Collection method: clinical testing. Allele origin: germline. Observed: 2 variant alleles.
Comment: p.Leu94Leu in exon 2 of RBM20: This variant is not expected to have clinical sig nificance because it does not alter an amino acid residue and is not located wit hin the splice consensus sequence. It has been identified in 2/8792 European and 1/412 Latino chromosomes by the Exome Aggregation Consortium (ExAC .; dbSNP rs182768779).

Clinical Genetics, Academic Medical Center
Classification: Likely benign. Review status: no assertion criteria provided. Collection method: clinical testing. Allele origin: germline. Affected: yes. Study: VKGL Data-share Consensus. Not counted in ClinVar's aggregate classification.

Joint Genome Diagnostic Labs from Nijmegen and Maastricht, Radboudumc and MUMC+
Classification: Likely benign. Review status: no assertion criteria provided. Collection method: clinical testing. Allele origin: germline. Affected: yes. Study: VKGL Data-share Consensus. Not counted in ClinVar's aggregate classification.

NM_001134363.3(RBM20):c.280C>T (p.Leu94=)

Gene: RBM20 (RNA binding motif protein 20; plus strand). Cytogenetic location: 10q25.2.
Variant type: single nucleotide variant.
Coding change: c.280C>T on transcript NM_001134363.3 (MANE Select); coding-DNA position 280, C replaced by T.
Protein change: p.Leu94=; no amino-acid change (leucine 94 retained).
Molecular consequence: synonymous variant.
Genome position (GRCh38, 1-based): chr10:110,780,889, C>T. VCF-style: chr10-110780889-C-T. GRCh37 (hg19) VCF-style: chr10-112540647-C-T.
Identifiers: ClinVar variation 165022 (VCV000165022.34), dbSNP rs182768779, ClinGen allele CA177692.